The following is an entry in ClinVar:

NM_001256012.3(MYH10):c.3013del (p.Lys1004_Val1005insTer)

Gene: MYH10 (myosin heavy chain 10; minus strand). Cytogenetic location: 17p13.1.
Variant type: Deletion.
Coding change: c.3013del on transcript NM_001256012.3 (MANE Select); coding-DNA position 3013, one base deleted (G; older notation c.3013delG).
Protein change: p.Lys1004_Val1005insTer.
Molecular consequence: nonsense.
Genome position (GRCh38, 1-based): chr17:8,509,889, C deleted on the plus strand (G on the coding strand, the reverse complement: MYH10 is on the minus strand); the first of 2 consecutive C bases (chr17:8,509,889-8,509,890); deleting either gives the same sequence. VCF-style (leftmost placement, unchanged base first): chr17-8509888-AC-A. GRCh37 (hg19) VCF-style: chr17-8413206-AC-A.
Other names: c.2947del, p.Lys982_Val983insTer (NM_001256095.2); c.2950del, p.Lys983_Val984insTer (NM_001375266.1); c.2920del, p.Lys973_Val974insTer (NM_005964.5).
Identifiers: ClinVar variation 3372889 (VCV003372889.2).

ClinVar aggregate classification (germline): Likely pathogenic (1 of 4 stars; one submission).

Submission:

GeneDx
Classification: Likely pathogenic. Last evaluated: 2025-11-21. Review status: criteria provided, single submitter. Criteria: GeneDx Variant Classification Process June 2021. Collection method: clinical testing. Allele origin: germline. Affected: yes.
Comment: Nonsense variant predicted to result in protein truncation or nonsense mediated decay in a gene for which loss of function is a known mechanism of disease; Not observed at significant frequency in large population cohorts (gnomAD); Has not been previously published as pathogenic or benign to our knowledge